The following is an entry in ClinVar:

ClinVar aggregate classification (germline): Conflicting classifications of pathogenicity. Review status: criteria provided, conflicting classifications (1 of 4 stars). 4 submissions from 4 submitters: Uncertain significance (3); Likely benign (1). Last evaluated 2024-10-01.

Conditions:
Kleefstra syndrome 1 (KLEFS1). Identifiers: Orphanet 261494, MedGen C0795833, MONDO:0027407, OMIM 610253.
EHMT1-related disorder. Also called: EHMT1-related condition.
Inborn genetic diseases. Identifiers: MedGen C0950123, MeSH D030342.

Allele frequency attached by ClinVar (database versions not stated): gnomAD exomes below 0.00001 and 0.00001; TOPMed below 0.00001; ExAC 0.00001.
gnomAD v4.1: 9 of 1,612,122 alleles (0.00056%); highest among the groups gnomAD compares: Non-Finnish European, 0.00059%; no homozygotes.

Submissions (4):

CeGaT Center for Human Genetics Tuebingen
Classification: Likely benign. Last evaluated: 2024-10-01. Review status: criteria provided, single submitter. Criteria: CeGaT Center For Human Genetics Tuebingen Variant Classification Criteria Version 2. Collection method: clinical testing. Allele origin: germline. Affected: yes. Observed: 2 variant alleles.
Comment: EHMT1: BP4

Labcorp Genetics (formerly Invitae), Labcorp
Classification: Uncertain significance for Kleefstra syndrome 1. Last evaluated: 2024-05-16. Review status: criteria provided, single submitter. Criteria: Invitae Variant Classification Sherloc (09022015). Collection method: clinical testing. Allele origin: germline.
Comment: This sequence change replaces valine, which is neutral and non-polar, with alanine, which is neutral and non-polar, at codon 211 of the EHMT1 protein (p.Val211Ala). The frequency data for this variant in the population databases is considered unreliable, as metrics indicate poor data quality at this position in the gnomAD database. This variant has not been reported in the literature in individuals affected with EHMT1-related conditions. ClinVar contains an entry for this variant (Variation ID: 1444126). Advanced modeling of protein sequence and biophysical properties (such as structural, functional, and spatial information, amino acid conservation, physicochemical variation, residue mobility, and thermodynamic stability) performed at Invitae indicates that this missense variant is not expected to disrupt EHMT1 protein function with a negative predictive value of 80%. In summary, the available evidence is currently insufficient to determine the role of this variant in disease. Therefore, it has been classified as a Variant of Uncertain Significance.

PreventionGenetics, part of Exact Sciences
Classification: Uncertain significance for EHMT1-related condition. Last evaluated: 2023-08-23. Review status: criteria provided, single submitter. Criteria: ACMG Guidelines, 2015. Collection method: clinical testing. Allele origin: germline.
Comment: The EHMT1 c.632T>C variant is predicted to result in the amino acid substitution p.Val211Ala. To our knowledge, this variant has not been reported in the literature. This variant is reported in 0.00093% of alleles in individuals of European (Non-Finnish) descent in gnomAD. At this time, the clinical significance of this variant is uncertain due to the absence of conclusive functional and genetic evidence.

Ambry Genetics
Classification: Uncertain significance for Inborn genetic diseases. Last evaluated: 2021-09-27. Review status: criteria provided, single submitter. Criteria: Ambry Variant Classification Scheme 2023. Collection method: clinical testing. Allele origin: germline.

NM_024757.5(EHMT1):c.632T>C (p.Val211Ala)

Gene: EHMT1 (euchromatic histone lysine methyltransferase 1; plus strand). Cytogenetic location: 9q34.3.
Variant type: single nucleotide variant.
Coding change: c.632T>C on transcript NM_024757.5 (MANE Select); coding-DNA position 632, T replaced by C.
Protein change: p.Val211Ala; replaces valine 211 with alanine.
Molecular consequence: missense variant.
Genome position (GRCh38, 1-based): chr9:137,717,172, T>C. VCF-style: chr9-137717172-T-C. GRCh37 (hg19) VCF-style: chr9-140611624-T-C.
Other names: c.632T>C, p.Val211Ala (NM_001145527.2, NM_001354263.2, NM_001354611.2); c.539T>C, p.Val180Ala (NM_001354259.2, NM_001354612.2); c.632T>C (NM_024757.4); short protein forms V180A, V211A.
Identifiers: ClinVar variation 1444126 (VCV001444126.33), dbSNP rs764569458, ClinGen allele CA5374368.